The following is an entry in ClinVar:

ClinVar aggregate classification (germline): Likely benign. Review status: criteria provided, multiple submitters, no conflicts (2 of 4 stars). 2 submissions from 2 submitters: Likely benign (2). Last evaluated 2026-08-05.

Conditions:
COG7-related disorder. Also called: COG7-related condition.
COG7 congenital disorder of glycosylation (CDG2E). Also called: CONGENITAL DISORDER OF GLYCOSYLATION, TYPE IIe; CDG IIe. Identifiers: Orphanet 79333, MedGen C2931010, MONDO:0012118, OMIM 608779.

Allele frequency attached by ClinVar (database versions not stated): ExAC 0.00003; gnomAD 0.00003; gnomAD exomes 0.00003; TOPMed 0.00005.
gnomAD v4.1: 51 of 1,614,080 alleles (0.0032%); highest among the groups gnomAD compares: African/African-American, 0.004%; no homozygotes.

Submissions (2):

PreventionGenetics, part of Exact Sciences
Classification: Likely benign for COG7-related condition. Last evaluated: 2026-08-05. Review status: criteria provided, single submitter. Criteria: ACMG Guidelines, 2015. Collection method: clinical testing. Allele origin: germline.
Comment: This variant is classified as likely benign based on ACMG/AMP sequence variant interpretation guidelines (Richards et al. 2015 PMID: 25741868, with internal and published modifications).

Labcorp Genetics (formerly Invitae), Labcorp
Classification: Likely benign for COG7 congenital disorder of glycosylation. Last evaluated: 2025-09-15. Review status: criteria provided, single submitter. Criteria: Invitae Variant Classification Sherloc (09022015). Collection method: clinical testing. Allele origin: germline.

NM_153603.4(COG7):c.1257C>T (p.Cys419=)

Gene: COG7 (component of oligomeric golgi complex 7; minus strand). Cytogenetic location: 16p12.2.
Variant type: single nucleotide variant.
Coding change: c.1257C>T on transcript NM_153603.4 (MANE Select); coding-DNA position 1257, C replaced by T.
Protein change: p.Cys419=; no amino-acid change (cysteine 419 retained).
Molecular consequence: synonymous variant.
Genome position (GRCh38, 1-based): chr16:23,417,002, G>A on the plus strand (C>T on the coding strand, the complement: COG7 is on the minus strand). VCF-style: chr16-23417002-G-A. GRCh37 (hg19) VCF-style: chr16-23428323-G-A.
Other names: c.1257C>T (NM_153603.3).
Identifiers: ClinVar variation 1935373 (VCV001935373.6), dbSNP rs766573880, ClinGen allele CA7961045.